The following is an entry in ClinVar:

ClinVar aggregate classification (germline): Uncertain significance (1 of 4 stars; one submission).

Conditions:
HPS1-related disorder. Also called: HPS1-related condition.

Submission:

PreventionGenetics, part of Exact Sciences
Classification: Uncertain significance for HPS1-related condition. Last evaluated: 2025-12-29. Review status: criteria provided, single submitter. Criteria: ACMG Guidelines, 2015. Collection method: clinical testing. Allele origin: germline.
Comment: The HPS1 c.1431G>C variant is predicted to result in the amino acid substitution p.Gln477His. To our knowledge, this variant has not been reported in the literature or in a large population database (gnomAD), indicating this variant is rare. At this time, the clinical significance of this variant is uncertain due to the absence of conclusive functional and genetic evidence.

NM_000195.5(HPS1):c.1431G>C (p.Gln477His)

Gene: HPS1 (HPS1 biogenesis of lysosomal organelles complex 3 subunit 1; minus strand). Cytogenetic location: 10q24.2.
Variant type: single nucleotide variant.
Coding change: c.1431G>C on transcript NM_000195.5 (MANE Select); coding-DNA position 1431, G replaced by C.
Protein change: p.Gln477His; replaces glutamine 477 with histidine.
Molecular consequence: missense variant.
Genome position (GRCh38, 1-based): chr10:98,423,854, C>G on the plus strand (G>C on the coding strand, the complement: HPS1 is on the minus strand). VCF-style: chr10-98423854-C-G. GRCh37 (hg19) VCF-style: chr10-100183611-C-G.
Other names: c.459G>C, p.Gln153His (NM_001311345.2, NM_001322487.2, NM_001322489.2); c.1431G>C, p.Gln477His (NM_001322476.2, NM_001322477.2); c.1332G>C, p.Gln444His (NM_001322478.2, NM_001322479.2); c.1170G>C, p.Gln390His (NM_001322480.2, NM_001322481.2); c.1071G>C, p.Gln357His (NM_001322482.2); c.1062G>C, p.Gln354His (NM_001322483.2, NM_001322484.2); c.963G>C, p.Gln321His (NM_001322485.2); short protein forms Q444H, Q153H, Q321H, Q390H, Q477H, Q357H, Q354H.
Identifiers: ClinVar variation 4992903 (VCV004992903.1).